The following is an entry in ClinVar:

NM_000245.4(MET):c.2584-4T>C

Gene: MET (MET proto-oncogene, receptor tyrosine kinase; plus strand). Cytogenetic location: 7q31.2.
Variant type: single nucleotide variant.
Coding change: c.2584-4T>C on transcript NM_000245.4 (MANE Select); 4 bases into the intron before coding-DNA position 2584, T replaced by C.
Molecular consequence: intron variant.
Genome position (GRCh38, 1-based): chr7:116,769,641, T>C. VCF-style: chr7-116769641-T-C. GRCh37 (hg19) VCF-style: chr7-116409695-T-C.
Other names: c.2638-4T>C (NM_001127500.2, NM_001127500.3); c.1294-4T>C (NM_001324402.2); c.2584-4T>C (NM_001324401.3).
Identifiers: ClinVar variation 524904 (VCV000524904.18), dbSNP rs1554397896, ClinGen allele CA658796997.

ClinVar aggregate classification (germline): Likely benign. Review status: criteria provided, multiple submitters, no conflicts (2 of 4 stars). 5 submissions from 5 submitters: Likely benign (4). 1 of the submissions does not count toward it. Last evaluated 2024-11-12.

Conditions:
Renal cell carcinoma. Identifiers: Orphanet 217071, MedGen C0007134, MeSH D002292, MONDO:0005086, HP:0005584.
Papillary renal cell carcinoma type 1 (RCCP1). Also called: RENAL CELL CARCINOMA, PAPILLARY, 1, SOMATIC; Renal adenocarcinoma; Renal cell carcinoma 1; Renal cell carcinoma, somatic. Identifiers: Orphanet 47044, MedGen C1336839, OMIM 605074, HP:0011797.
MET-related disorder. Also called: MET-related condition.
Hereditary cancer-predisposing syndrome. Also called: Hereditary neoplastic syndrome; Tumor predisposition; Neoplastic Syndromes, Hereditary; Hereditary Cancer Syndrome. Identifiers: Orphanet 140162, MedGen C0027672, MeSH D009386, MONDO:0015356.

Allele frequency attached by ClinVar (database versions not stated): gnomAD exomes below 0.00001.
gnomAD v4.1: 1 of 1,612,632 alleles (0.000062%); highest among the groups gnomAD compares: Non-Finnish European, 0.000085%; no homozygotes.

Submissions (5):

Myriad Genetics, Inc.
Classification: Likely benign for Papillary renal cell carcinoma type 1. Last evaluated: 2024-11-12. Review status: criteria provided, single submitter. Criteria: Myriad Autosomal Dominant, Autosomal Recessive and X-Linked Classification Criteria (2023). Collection method: clinical testing. Allele origin: unknown.
Comment: This variant is considered likely benign. This variant is intronic and is not expected to impact mRNA splicing.

Labcorp Genetics (formerly Invitae), Labcorp
Classification: Likely benign for Renal cell carcinoma. Last evaluated: 2024-10-08. Review status: criteria provided, single submitter. Criteria: Invitae Variant Classification Sherloc (09022015). Collection method: clinical testing. Allele origin: germline.

Blueprint Genetics
Classification: Likely benign. Last evaluated: 2024-03-20. Review status: criteria provided, single submitter. Criteria: ACMG Guidelines, 2015. Collection method: clinical testing. Allele origin: germline.

Ambry Genetics
Classification: Likely benign for Hereditary cancer-predisposing syndrome. Last evaluated: 2023-09-21. Review status: criteria provided, single submitter. Criteria: Ambry Variant Classification Scheme 2023. Collection method: clinical testing. Allele origin: germline.

PreventionGenetics, part of Exact Sciences
Classification: Likely benign for MET-related condition. Last evaluated: 2019-05-20. Review status: no assertion criteria provided. Collection method: clinical testing. Allele origin: germline. Not counted in ClinVar's aggregate classification.
Comment: This variant is classified as likely benign based on ACMG/AMP sequence variant interpretation guidelines (Richards et al. 2015 PMID: 25741868, with internal and published modifications).